The following is an entry in ClinVar:

ClinVar aggregate classification (germline): Likely benign (1 of 4 stars; one submission).

Conditions:
Pyruvate dehydrogenase E3-binding protein deficiency (PDHXD). Also called: E3-Binding Protein (Component X) Deficiency; LACTIC ACIDEMIA DUE TO DEFECT IN LIPOYL-CONTAINING COMPONENT X OF THE PYRUVATE DEHYDROGENASE COMPLEX; Lacticacidemia due to PDX1 deficiency; PYRUVATE HYDROGENASE E3-BINDING PROTEIN DEFICIENCY. Identifiers: Orphanet 255182, MedGen C1855553, MONDO:0009503, OMIM 245349.

Allele frequency attached by ClinVar (database versions not stated): ExAC 0.00274; 1000 Genomes Project 30x 0.00031; TOPMed 0.00002; 1000 Genomes Project 0.00040.
gnomAD v4.1: 77 of 1,468,536 alleles (0.0052%); highest among the groups gnomAD compares: South Asian, 0.09%; 1 homozygote.

Submission:

Illumina Laboratory Services, Illumina
Classification: Likely benign for Pyruvate dehydrogenase E3-binding protein deficiency. Last evaluated: 2018-01-13. Review status: criteria provided, single submitter. Criteria: ICSL Variant Classification Criteria 13 December 2019. Collection method: clinical testing. Allele origin: germline.
Comment: This variant was observed in the ICSL laboratory as part of a predisposition screen in an ostensibly healthy population. It had not been previously curated by ICSL or reported in the Human Gene Mutation Database (HGMD: prior to June 1st, 2018), and was therefore a candidate for classification through an automated scoring system. Utilizing variant allele frequency, disease prevalence and penetrance estimates, and inheritance mode, an automated score was calculated to assess if this variant is too frequent to cause the disease. Based on the score and internal cut-off values, a variant classified as likely benign is not then subjected to further curation. The score for this variant resulted in a classification of likely benign for this disease.

NM_003477.2(PDHX):c.-208C>T

Genes: PDHX (pyruvate dehydrogenase complex component X; plus strand), LOC130005548 (ATAC-STARR-seq lymphoblastoid silent region 3254; plus strand). Cytogenetic location: 11p13.
Variant type: single nucleotide variant.
Coding change: c.-208C>T on transcript NM_003477.2; 208 bases upstream of the start codon, C replaced by T.
Molecular consequence: 5 prime UTR variant (on NM_001135024.2).
Genome position (GRCh38, 1-based): chr11:34,916,448, C>T. VCF-style: chr11-34916448-C-T. GRCh37 (hg19) VCF-style: chr11-34937995-C-T.
Other names: c.-59C>T (NM_001135024.2).
Identifiers: ClinVar variation 304453 (VCV000304453.7), dbSNP rs555380381, ClinGen allele CA5945667.